The following is an entry in ClinVar:

NM_001613.4(ACTA2):c.720G>T (p.Lys240Asn)

Genes: ACTA2 (actin alpha 2, smooth muscle; minus strand), ACTA2-AS1 (ACTA2 antisense RNA 1; plus strand). Cytogenetic location: 10q23.31.
Variant type: single nucleotide variant.
Coding change: c.720G>T on transcript NM_001613.4 (MANE Select); coding-DNA position 720, G replaced by T.
Protein change: p.Lys240Asn; replaces lysine 240 with asparagine.
Molecular consequence: missense variant. On other transcripts: non-coding transcript variant (1), intron variant (1).
Genome position (GRCh38, 1-based): chr10:88,939,595, C>A on the plus strand (G>T on the coding strand, the complement: ACTA2 is on the minus strand). VCF-style: chr10-88939595-C-A. GRCh37 (hg19) VCF-style: chr10-90699352-C-A.
Other names: c.720G>T, p.Lys240Asn (NM_001141945.3, NM_001320855.2, NM_001406462.1 and 2 more transcripts); c.609G>T, p.Lys203Asn (NM_001406466.1); c.591G>T, p.Lys197Asn (NM_001406467.1, NM_001406468.1, NM_001406469.1); c.617-1353G>T (NM_001406471.1); short protein forms K197N, K203N, K240N.
Identifiers: ClinVar variation 2573657 (VCV002573657.3), dbSNP rs727502878, ClinGen allele CA377511328.

ClinVar aggregate classification (germline): Uncertain significance. Review status: criteria provided, multiple submitters, no conflicts (2 of 4 stars). 2 submissions from 2 submitters: Uncertain significance (2). Last evaluated 2024-05-02.

Conditions:
Aortic aneurysm, familial thoracic 6 (AAT6). Also called: FAMILIAL THORACIC AORTIC ANEURYSM WITH LIVEDO RETICULARIS AND IRIS FLOCCULI. Identifiers: MedGen C2673186, MONDO:0012730, OMIM 611788.

Submissions (2):

Labcorp Genetics (formerly Invitae), Labcorp
Classification: Uncertain significance for Aortic aneurysm, familial thoracic 6. Last evaluated: 2024-05-02. Review status: criteria provided, single submitter. Criteria: Invitae Variant Classification Sherloc (09022015). Collection method: clinical testing. Allele origin: germline.
Comment: This sequence change replaces lysine, which is basic and polar, with asparagine, which is neutral and polar, at codon 240 of the ACTA2 protein (p.Lys240Asn). This variant is not present in population databases (gnomAD no frequency). This variant has not been reported in the literature in individuals affected with ACTA2-related conditions. ClinVar contains an entry for this variant (Variation ID: 2573657). Advanced modeling of protein sequence and biophysical properties (such as structural, functional, and spatial information, amino acid conservation, physicochemical variation, residue mobility, and thermodynamic stability) performed at Invitae indicates that this missense variant is not expected to disrupt ACTA2 protein function with a negative predictive value of 80%. In summary, the available evidence is currently insufficient to determine the role of this variant in disease. Therefore, it has been classified as a Variant of Uncertain Significance.

GeneDx
Classification: Uncertain significance. Last evaluated: 2023-01-20. Review status: criteria provided, single submitter. Criteria: GeneDx Variant Classification Process June 2021. Collection method: clinical testing. Allele origin: germline. Affected: yes.
Comment: Not observed at significant frequency in large population cohorts (gnomAD); In silico analysis supports that this missense variant has a deleterious effect on protein structure/function; Has not been previously published as pathogenic or benign to our knowledge